The following is an entry in ClinVar:

NM_000153.4(GALC):c.1405C>G (p.Leu469Val)

Gene: GALC (galactosylceramidase; minus strand). Cytogenetic location: 14q31.3.
Variant type: single nucleotide variant.
Coding change: c.1405C>G on transcript NM_000153.4 (MANE Select); coding-DNA position 1405, C replaced by G.
Protein change: p.Leu469Val; replaces leucine 469 with valine.
Molecular consequence: missense variant. On other transcripts: non-coding transcript variant (1).
Genome position (GRCh38, 1-based): chr14:87,947,812, G>C on the plus strand (C>G on the coding strand, the complement: GALC is on the minus strand). VCF-style: chr14-87947812-G-C. GRCh37 (hg19) VCF-style: chr14-88414156-G-C.
Other names: c.1237C>G, p.Leu413Val (NM_001424071.1, NM_001424072.1, NM_001424073.1); c.1057C>G, p.Leu353Val (NM_001424074.1, NM_001424075.1); c.772C>G, p.Leu258Val (NM_001424076.1, NM_001424077.1); c.1336C>G, p.Leu446Val (NM_001201401.2); c.1327C>G, p.Leu443Val (NM_001201402.2); short protein forms L443V, L469V, L258V, L353V, L446V, L413V.
Identifiers: ClinVar variation 3003047 (VCV003003047.3), dbSNP rs2503363155, ClinGen allele CA390746543.
Genomic context (GRCh38, chr14:87,947,812, plus strand): 5'-TACTTGGGAAGGGCTGGGATTTTGGAGGAAGCGGGTAGCTGCCTTTGCGACCAGTGGTGA[G>C]AGTGGTGAGTGTGAACAGCTCATCTTCATGCAGGCTCAGTGTGAAACTGCCATCGCTGTC-3'
Protein context (NP_000144.2, residues 459-479): HEDELFTLTT[Leu469Val]TTGRKGSYPL

ClinVar aggregate classification (germline): Uncertain significance (1 of 4 stars; one submission).

Conditions:
Galactosylceramide beta-galactosidase deficiency. Also called: Krabbe Disease; GALACTOCEREBROSIDASE DEFICIENCY; GALC DEFICIENCY; GLOBOID CELL LEUKOENCEPHALOPATHY; Leukodystrophy, Globoid Cell. Identifiers: Orphanet 487, MedGen C0023521, MONDO:0009499, OMIM 245200.

Allele frequency attached by ClinVar (database versions not stated): gnomAD exomes below 0.00001.
gnomAD v4.1: 1 of 1,612,756 alleles (0.000062%); highest among the groups gnomAD compares: Admixed American, 0.0017%; no homozygotes.

Submission:

Labcorp Genetics (formerly Invitae), Labcorp
Classification: Uncertain significance for Galactosylceramide beta-galactosidase deficiency. Last evaluated: 2023-05-22. Review status: criteria provided, single submitter. Criteria: Invitae Variant Classification Sherloc (09022015). Collection method: clinical testing. Allele origin: germline.
Comment: This variant has not been reported in the literature in individuals affected with GALC-related conditions. This variant is not present in population databases (gnomAD no frequency). This sequence change replaces leucine, which is neutral and non-polar, with valine, which is neutral and non-polar, at codon 469 of the GALC protein (p.Leu469Val). In summary, the available evidence is currently insufficient to determine the role of this variant in disease. Therefore, it has been classified as a Variant of Uncertain Significance. Advanced modeling of protein sequence and biophysical properties (such as structural, functional, and spatial information, amino acid conservation, physicochemical variation, residue mobility, and thermodynamic stability) performed at Invitae indicates that this missense variant is not expected to disrupt GALC protein function.